The following is an entry in ClinVar:

NM_002755.4(MAP2K1):c.167A>C (p.Gln56Pro)

Gene: MAP2K1 (mitogen-activated protein kinase kinase 1; plus strand). Cytogenetic location: 15q22.31.
Variant type: single nucleotide variant.
Coding change: c.167A>C on transcript NM_002755.4 (MANE Select); coding-DNA position 167, A replaced by C.
Protein change: p.Gln56Pro; replaces glutamine 56 with proline.
Molecular consequence: missense variant.
Genome position (GRCh38, 1-based): chr15:66,435,113, A>C. VCF-style: chr15-66435113-A-C. GRCh37 (hg19) VCF-style: chr15-66727451-A-C.
Other names: short protein forms Q56P.
Identifiers: ClinVar variation 375978 (VCV000375978.8), dbSNP rs1057519729, ClinGen allele CA16602453.

ClinVar aggregate classification (germline): Pathogenic. Review status: criteria provided, multiple submitters, no conflicts (2 of 4 stars). 4 submissions from 4 submitters: Pathogenic (3). 1 of the submissions does not count toward it. Last evaluated 2024-05-15.
ClinVar aggregate classification (oncogenicity): Likely oncogenic (1 of 4 stars; one submission).

Conditions:
Melorheostosis (MEL). Also called: MELORHEOSTOSIS, ISOLATED. Identifiers: Orphanet 2485, MedGen C3149631, MONDO:0007970, OMIM 155950, HP:6000817.
Non-small cell lung carcinoma (NSCLC). Also called: Non-small cell lung cancer. Identifiers: MedGen C0007131, MeSH D002289, MONDO:0005233, HP:0030358. Disease mechanism: Other.
Extracranial arteriovenous malformation.
Neoplasm. Also called: tumor; Neoplasms; Neoplasm (disease). Identifiers: MedGen C0027651, MeSH D009369, MONDO:0005070, HP:0002664.

Submissions (5):

Center for Genomic Medicine, Rigshospitalet, Copenhagen University Hospital
Classification: Likely oncogenic for Neoplasm. Last evaluated: 2025-03-04. Review status: criteria provided, single submitter. Criteria: ClinGen/CGC/VICC Guidelines for Oncogenicity, 2022. Collection method: clinical testing. Allele origin: somatic. Affected: yes.

Clinical Genomics Laboratory, Washington University in St. Louis
Classification: Pathogenic for Extracranial arteriovenous malformation. Last evaluated: 2024-05-15. Review status: criteria provided, single submitter. Criteria: Leon-Quintero et al. (Clin Genet. 2025). Collection method: clinical testing. Allele origin: somatic. Affected: yes.
Comment: A MAP2K1 c.167A>C (p.Gln56Pro) variant was identified at an allelic fraction consistent with somatic origin. This variant has been reported in several individuals affected with non-syndromic extracranial arteriovenous malformations (Couto JA et al., PMID:28190454), melorheostosis (Kang H et al., PMID: 29643386), and in multiple tumor types (Marks JL et al., PMID:18632602, COSMIC database COSV61068787). It has been reported in the ClinVar database as pathogenic in a somatic state by a single clinical laboratory (ClinVar ID: 375978). This variant is absent from the general population (gnomAD v.4.1.0), indicating it is not a common variant. The MAP2K1 c.167A>C (p.Gln56Pro) variant resides within the negative regulatory domain of MAP2K1 at a critical mutational hot spot (Kang H et al., PMID:29643386). Computational predictors indicate that the variant is damaging, evidence that correlates with impact to MAP2K1 function. In support of this prediction, functional studies have shown that MAP2K1 c.167A>C (p.Gln56Pro) induces ERK phosphorylation and cell proliferation, indicating that this variant impacts protein function (Kang H et al., PMID: 29643386, Arcila ME et al., PMID: 25351745). The MAP2K1 gene is defined by the ClinGen RASopathy expert panel (Gelb BD et al., PMID: 29493581) as a gene that has a low rate of benign missense variation and where pathogenic missense variants are a common mechanism of disease. Based on available information and an internally developed protocol informed by the ACMG/AMP guidelines for variant interpretation and gene-specific practices from the ClinGen Criteria Specification Registry (Leon-Quintero FZ et al., PMID: 39434542), this variant is classified as pathogenic.

Seattle Children's Hospital Molecular Genetics Laboratory, Seattle Children's Hospital
Classification: Pathogenic. Last evaluated: 2021-07-02. Review status: criteria provided, single submitter. Criteria: ACMG Guidelines, 2015. Collection method: clinical testing. Allele origin: somatic. Affected: yes.
Comment: The c.167A>C (p.Gln56Pro) variant in MAP2K1 has been previously reported as a somatic finding in non-syndromic extracranial arteriovenous malformations (PMID: 28190454) and melorheostosis (PMID: 29643386). This variant overlaps those reported as oncogenic variants found in multiple tumor types (COSMIC and cBioPortal Databases). This variant has not been observed in large population studies (Genome Aggregation Database v2.1.1). The p.Gln56Pro variant is located at a highly-conserved site near the negative regulatory domain of the protein product (PMID: 29643386). Functional studies have demonstrated that the p.Gln56Pro substitution results in activation of downstream signaling (PMID: 25351745).

Laboratory for Molecular Medicine, Mass General Brigham Personalized Medicine
Classification: Pathogenic for Non-small cell lung carcinoma. Last evaluated: 2011-05-24. Review status: criteria provided, single submitter. Criteria: ACMG Guidelines, 2015. Collection method: clinical testing. Allele origin: germline.
Comment: The MEK1 Gln56Pro variant has been previously reported in a NSCLC cell line (Marks 2008).

OMIM
Classification: Pathogenic for MELORHEOSTOSIS, ISOLATED, SOMATIC MOSAIC. Last evaluated: 2020-06-23. Review status: no assertion criteria provided. Collection method: literature only. Allele origin: somatic. Not counted in ClinVar's aggregate classification.

Literature cited by the submitters: PubMed 7651428 (cited by Center for Genomic Medicine, Rigshospitalet, Copenhagen University Hospital); PubMed 22327936 (cited by Center for Genomic Medicine, Rigshospitalet, Copenhagen University Hospital); PubMed 25351745 (cited by Center for Genomic Medicine, Rigshospitalet, Copenhagen University Hospital); PubMed 29753091 (cited by Center for Genomic Medicine, Rigshospitalet, Copenhagen University Hospital); PubMed 18632602 (cited by Laboratory for Molecular Medicine, Mass General Brigham Personalized Medicine); PubMed 29643386 (cited by OMIM).